The following is an entry in ClinVar:

NM_003235.5(TG):c.2286del (p.Gln762fs)

Gene: TG (thyroglobulin; plus strand). Cytogenetic location: 8q24.22.
Variant type: Deletion.
Coding change: c.2286del on transcript NM_003235.5 (MANE Select); coding-DNA position 2286, one base deleted (G; older notation c.2286delG).
Protein change: p.Gln762fs; shifts the reading frame from glutamine 762.
Molecular consequence: frameshift variant.
Genome position (GRCh38, 1-based): chr8:132,888,093, G deleted. VCF-style (leftmost placement, unchanged base first): chr8-132888092-AG-A. GRCh37 (hg19) VCF-style: chr8-133900337-AG-A.
Other names: short protein forms Q762fs.
Identifiers: ClinVar variation 2866086 (VCV002866086.3), dbSNP rs2489848391, ClinGen allele CA2739268991.

ClinVar aggregate classification (germline): Pathogenic (1 of 4 stars; one submission).

Submission:

Labcorp Genetics (formerly Invitae), Labcorp
Classification: Pathogenic. Last evaluated: 2023-06-02. Review status: criteria provided, single submitter. Criteria: Invitae Variant Classification Sherloc (09022015). Collection method: clinical testing. Allele origin: germline.
Comment: For these reasons, this variant has been classified as Pathogenic. This variant has not been reported in the literature in individuals affected with TG-related conditions. This variant is not present in population databases (gnomAD no frequency). This sequence change creates a premature translational stop signal (p.Gln762Hisfs*36) in the TG gene. It is expected to result in an absent or disrupted protein product. Loss-of-function variants in TG are known to be pathogenic (PMID: 19837936, 23164529).

Literature cited by the submitters: PubMed 19837936; PubMed 23164529.